The following is an entry in ClinVar:

NM_007118.4(TRIO):c.5710C>T (p.Pro1904Ser)

Gene: TRIO (trio Rho guanine nucleotide exchange factor; plus strand). Cytogenetic location: 5p15.2.
Variant type: single nucleotide variant.
Coding change: c.5710C>T on transcript NM_007118.4 (MANE Select); coding-DNA position 5710, C replaced by T.
Protein change: p.Pro1904Ser; replaces proline 1904 with serine.
Molecular consequence: missense variant. On other transcripts: non-coding transcript variant (1).
Genome position (GRCh38, 1-based): chr5:14,465,587, C>T. VCF-style: chr5-14465587-C-T. GRCh37 (hg19) VCF-style: chr5-14465696-C-T.
Other names: short protein forms P1904S.
Identifiers: ClinVar variation 2507313 (VCV002507313.1), dbSNP rs2533523479, ClinGen allele CA359233159.

ClinVar aggregate classification (germline): Uncertain significance (1 of 4 stars; one submission).

Allele frequency attached by ClinVar (database versions not stated): gnomAD exomes below 0.00001.
gnomAD v4.1: 1 of 1,614,078 alleles (0.000062%); highest among the groups gnomAD compares: Non-Finnish European, 0.000085%; no homozygotes.

Submission:

GeneDx
Classification: Uncertain significance. Last evaluated: 2022-12-29. Review status: criteria provided, single submitter. Criteria: GeneDx Variant Classification Process June 2021. Collection method: clinical testing. Allele origin: germline. Affected: yes.
Comment: Not observed at significant frequency in large population cohorts (gnomAD); In silico analysis supports that this missense variant has a deleterious effect on protein structure/function; Has not been previously published as pathogenic or benign to our knowledge